The following is an entry in ClinVar:

ClinVar aggregate classification (germline): Uncertain significance (1 of 4 stars; one submission).

Submission:

Labcorp Genetics (formerly Invitae), Labcorp
Classification: Uncertain significance. Last evaluated: 2022-02-08. Review status: criteria provided, single submitter. Criteria: Invitae Variant Classification Sherloc (09022015). Collection method: clinical testing. Allele origin: germline.
Comment: In summary, the available evidence is currently insufficient to determine the role of this variant in disease. Therefore, it has been classified as a Variant of Uncertain Significance. Experimental studies and prediction algorithms are not available or were not evaluated, and the effect of this variant on mRNA splicing is currently unknown. This variant has not been reported in the literature in individuals affected with COL18A1-related conditions. This variant is not present in population databases (gnomAD no frequency). This sequence change falls in intron 8 of the COL18A1 gene. It does not directly change the encoded amino acid sequence of the COL18A1 protein.

NM_001379500.1(COL18A1):c.1222-87_1222-10del

Genes: COL18A1 (collagen type XVIII alpha 1 chain; plus strand), MIR6815 (microRNA 6815; plus strand). Cytogenetic location: 21q22.3.
Variant type: Deletion.
Coding change: c.1222-87_1222-10del on transcript NM_001379500.1 (MANE Select); 87 bases into the intron before coding-DNA position 1222 through 10 bases into the intron before coding-DNA position 1222, 78 bases deleted.
Molecular consequence: intron variant.
Genome position (GRCh38, 1-based): chr21:45,478,240-45,478,317, 78 bases deleted. GRCh37 (hg19): chr21:46,898,154-46,898,231.
Other names: c.2467-87_2467-10del (NM_130444.3); c.1762-87_1762-10del (NM_030582.4).
Identifiers: ClinVar variation 1518581 (VCV001518581.8), dbSNP rs2145926430, ClinGen allele CA2573157599.